The following is an entry in ClinVar:

NM_138386.3(NAF1):c.656A>G (p.Asn219Ser)

Gene: NAF1 (nuclear assembly factor 1 ribonucleoprotein; minus strand). Cytogenetic location: 4q32.2.
Variant type: single nucleotide variant.
Coding change: c.656A>G on transcript NM_138386.3 (MANE Select); coding-DNA position 656, A replaced by G.
Protein change: p.Asn219Ser; replaces asparagine 219 with serine.
Molecular consequence: missense variant.
Genome position (GRCh38, 1-based): chr4:163,145,843, T>C on the plus strand (A>G on the coding strand, the complement: NAF1 is on the minus strand). VCF-style: chr4-163145843-T-C. GRCh37 (hg19) VCF-style: chr4-164066995-T-C.
Other names: c.656A>G, p.Asn219Ser (NM_001128931.2); short protein forms N219S.
Identifiers: ClinVar variation 2805489 (VCV002805489.3), dbSNP rs1256231535, ClinGen allele CA358660779.

ClinVar aggregate classification (germline): Uncertain significance (1 of 4 stars; one submission).

gnomAD v4.1: 1 of 1,556,158 alleles (0.000064%); highest among the groups gnomAD compares: African/African-American, 0.0014%; no homozygotes.

Submission:

Labcorp Genetics (formerly Invitae), Labcorp
Classification: Uncertain significance. Last evaluated: 2024-03-06. Review status: criteria provided, single submitter. Criteria: Invitae Variant Classification Sherloc (09022015). Collection method: clinical testing. Allele origin: germline.
Comment: This sequence change replaces asparagine, which is neutral and polar, with serine, which is neutral and polar, at codon 219 of the NAF1 protein (p.Asn219Ser). This variant is not present in population databases (gnomAD no frequency). This variant has not been reported in the literature in individuals affected with NAF1-related conditions. Algorithms developed to predict the effect of missense changes on protein structure and function output the following: SIFT: "Not Available"; PolyPhen-2: "Benign"; Align-GVGD: "Not Available". The serine amino acid residue is found in multiple mammalian species, which suggests that this missense change does not adversely affect protein function. In summary, the available evidence is currently insufficient to determine the role of this variant in disease. Therefore, it has been classified as a Variant of Uncertain Significance.